The following is an entry in ClinVar:

ClinVar aggregate classification (germline): Conflicting classifications of pathogenicity. Review status: criteria provided, conflicting classifications (1 of 4 stars). 3 submissions from 3 submitters: Uncertain significance (2); Likely benign (1). Last evaluated 2026-07-16.

Conditions:
Inborn genetic diseases. Identifiers: MedGen C0950123, MeSH D030342.
Recessive dystrophic epidermolysis bullosa (RDEB). Also called: severe generalized recessive dystrophic epidermolysis bullosa; epidermolysis bullosa dystrophica, autosomal recessive; EPIDERMOLYSIS BULLOSA DYSTROPHICA, GENERALIZED SEVERE, AUTOSOMAL RECESSIVE; Epidermolysis Bullosa Distrophica Autosomal Recessive (RDEB); Recessive DEB (RDEB); DYSTROPHIC EPIDERMOLYSIS BULLOSA, AUTOSOMAL RECESSIVE. Identifiers: Orphanet 79408, Orphanet 79409, MedGen C0079474, MONDO:0009179, OMIM 226600.

gnomAD v4.1: 25 of 1,613,836 alleles (0.0015%); highest among the groups gnomAD compares: South Asian, 0.021%; no homozygotes.

Submissions (3):

Myriad Genetics, Inc.
Classification: Uncertain significance for Recessive dystrophic epidermolysis bullosa. Last evaluated: 2026-07-16. Review status: criteria provided, single submitter. Criteria: Myriad Autosomal Dominant, Autosomal Recessive and X-Linked Classification Criteria (2023). Collection method: clinical testing. Allele origin: unknown.
Comment: NM_000094.3(COL7A1):c.3862C>A(P1288T) is a missense variant classified as a variant of uncertain significance in the context of dystrophic epidermolysis bullosa. P1288T has been observed in a case with relevant disease (PMID: 39141798). Relevant functional assessments of this variant are not available in the literature. P1288T has been observed in referenced population frequency databases. In summary, there is insufficient evidence to classify NM_000094.3(COL7A1):c.3862C>A(P1288T) as pathogenic or benign. Please note: this variant was assessed in the context of healthy population screening.

Labcorp Genetics (formerly Invitae), Labcorp
Classification: Likely benign. Last evaluated: 2024-01-16. Review status: criteria provided, single submitter. Criteria: Invitae Variant Classification Sherloc (09022015). Collection method: clinical testing. Allele origin: germline.

Ambry Genetics
Classification: Uncertain significance for Inborn genetic diseases. Last evaluated: 2023-01-31. Review status: criteria provided, single submitter. Criteria: Ambry Variant Classification Scheme 2023. Collection method: clinical testing. Allele origin: germline.

Literature cited by the submitters: PubMed 39141798 (cited by Myriad Genetics, Inc.).

NM_000094.4(COL7A1):c.3862C>A (p.Pro1288Thr)

Gene: COL7A1 (collagen type VII alpha 1 chain; minus strand). Cytogenetic location: 3p21.31.
Variant type: single nucleotide variant.
Coding change: c.3862C>A on transcript NM_000094.4 (MANE Select); coding-DNA position 3862, C replaced by A.
Protein change: p.Pro1288Thr; replaces proline 1288 with threonine.
Molecular consequence: missense variant.
Genome position (GRCh38, 1-based): chr3:48,585,589, G>T on the plus strand (C>A on the coding strand, the complement: COL7A1 is on the minus strand). VCF-style: chr3-48585589-G-T. GRCh37 (hg19) VCF-style: chr3-48623022-G-T.
Other names: short protein forms P1288T.
Identifiers: ClinVar variation 2199720 (VCV002199720.7), dbSNP rs769833467, ClinGen allele CA2380352.